The following is an entry in ClinVar:

ClinVar aggregate classification (germline): Uncertain significance. Review status: criteria provided, multiple submitters, no conflicts (2 of 4 stars). 2 submissions from 2 submitters: Uncertain significance (2). Last evaluated 2026-01-14.

Conditions:
Inborn genetic diseases. Identifiers: MedGen C0950123, MeSH D030342.

Allele frequency attached by ClinVar (database versions not stated): gnomAD 0.00001; ExAC 0.00002; gnomAD exomes 0.00002.

Submissions (2):

Labcorp Genetics (formerly Invitae), Labcorp
Classification: Uncertain significance. Last evaluated: 2026-01-14. Review status: criteria provided, single submitter. Criteria: Invitae Variant Classification Sherloc (09022015). Collection method: clinical testing. Allele origin: germline.
Comment: This sequence change replaces alanine, which is neutral and non-polar, with threonine, which is neutral and polar, at codon 256 of the GSN protein (p.Ala256Thr). This variant is present in population databases (rs774635796, gnomAD 0.02%). This variant has not been reported in the literature in individuals affected with GSN-related conditions. ClinVar contains an entry for this variant (Variation ID: 2304023). Invitae Evidence Modeling of protein sequence and biophysical properties (such as structural, functional, and spatial information, amino acid conservation, physicochemical variation, residue mobility, and thermodynamic stability) indicates that this missense variant is not expected to disrupt GSN protein function with a negative predictive value of 80%. In summary, the available evidence is currently insufficient to determine the role of this variant in disease. Therefore, it has been classified as a Variant of Uncertain Significance.

Ambry Genetics
Classification: Uncertain significance for Inborn genetic diseases. Last evaluated: 2022-07-27. Review status: criteria provided, single submitter. Criteria: Ambry Variant Classification Scheme 2023. Collection method: clinical testing. Allele origin: germline.

NM_198252.3(GSN):c.613G>A (p.Ala205Thr)

Gene: GSN (gelsolin; plus strand). Cytogenetic location: 9q33.2.
Variant type: single nucleotide variant.
Coding change: c.613G>A on transcript NM_198252.3 (MANE Select); coding-DNA position 613, G replaced by A.
Protein change: p.Ala205Thr; replaces alanine 205 with threonine.
Molecular consequence: missense variant. On other transcripts: 5 prime UTR variant (1).
Genome position (GRCh38, 1-based): chr9:121,312,438, G>A. VCF-style: chr9-121312438-G-A. GRCh37 (hg19) VCF-style: chr9-124074716-G-A.
Other names: c.766G>A, p.Ala256Thr (NM_000177.5); c.613G>A, p.Ala205Thr (NM_001127662.2, NM_001127664.2, NM_001127665.2 and 10 more transcripts); c.721G>A, p.Ala241Thr (NM_001127663.2); c.646G>A, p.Ala216Thr (NM_001127666.2, NM_001127667.2, NM_001353063.2 and 13 more transcripts); c.664G>A, p.Ala222Thr (NM_001258029.2); c.637G>A, p.Ala213Thr (NM_001258030.2); c.685G>A, p.Ala229Thr (NM_001353076.2); c.-42G>A (NM_001353078.2); short protein forms A205T, A216T, A256T, A213T, A222T, A229T, A241T.
Identifiers: ClinVar variation 2304023 (VCV002304023.3), dbSNP rs774635796, ClinGen allele CA5220948.
Genomic context (GRCh38, chr9:121,312,438, plus strand): 5'-GAAAGACTGAAGGCCACACAGGTGTCCAAGGGCATCCGGGACAACGAGCGGAGTGGCCGG[G>A]CCCGAGTGCACGTGTCTGAGGAGGGCACTGAGCCCGAGGCGATGCTCCAGGTGCCTGTGG-3'
Protein context (NP_937895.1, residues 195-215): GIRDNERSGR[Ala205Thr]RVHVSEEGTE